The following is an entry in ClinVar:

ClinVar aggregate classification (germline): Uncertain significance. Review status: criteria provided, multiple submitters, no conflicts (2 of 4 stars). 3 submissions from 3 submitters: Uncertain significance (3). Last evaluated 2024-08-20.

Conditions:
Xanthinuria type II. Also called: Xanthine dehydrogenase and aldehyde oxidase combined deficiency of; XDH and AOX dual deficiency. Identifiers: Orphanet 3467, Orphanet 93602, MedGen C1863688, MONDO:0011346, OMIM 603592.

Allele frequency attached by ClinVar (database versions not stated): gnomAD 0.00001; TOPMed 0.00001.
gnomAD v4.1: 29 of 1,614,068 alleles (0.0018%); highest among the groups gnomAD compares: African/African-American, 0.0027%; no homozygotes.

Submissions (3):

Ambry Genetics
Classification: Uncertain significance. Last evaluated: 2024-08-20. Review status: criteria provided, single submitter. Criteria: Ambry Variant Classification Scheme 2023. Collection method: clinical testing. Allele origin: germline.

Labcorp Genetics (formerly Invitae), Labcorp
Classification: Uncertain significance for Xanthinuria type II. Last evaluated: 2022-03-23. Review status: criteria provided, single submitter. Criteria: Invitae Variant Classification Sherloc (09022015). Collection method: clinical testing. Allele origin: germline.
Comment: In summary, the available evidence is currently insufficient to determine the role of this variant in disease. Therefore, it has been classified as a Variant of Uncertain Significance. Algorithms developed to predict the effect of missense changes on protein structure and function output the following: SIFT: "Tolerated"; PolyPhen-2: "Benign"; Align-GVGD: "Class C0". The glutamine amino acid residue is found in multiple mammalian species, which suggests that this missense change does not adversely affect protein function. This variant has not been reported in the literature in individuals affected with MOCOS-related conditions. This variant is present in population databases (no rsID available, gnomAD 0.0009%). This sequence change replaces arginine, which is basic and polar, with glutamine, which is neutral and polar, at codon 223 of the MOCOS protein (p.Arg223Gln).

Breakthrough Genomics
Classification: Uncertain significance. Review status: criteria provided, single submitter. Criteria: ACMG Guidelines, 2015. Collection method: not provided. Allele origin: germline. Inheritance: Autosomal recessive inheritance. Affected: yes.

NM_017947.4(MOCOS):c.668G>A (p.Arg223Gln)

Gene: MOCOS (molybdenum cofactor sulfurase; plus strand). Cytogenetic location: 18q12.2.
Variant type: single nucleotide variant.
Coding change: c.668G>A on transcript NM_017947.4 (MANE Select); coding-DNA position 668, G replaced by A.
Protein change: p.Arg223Gln; replaces arginine 223 with glutamine.
Molecular consequence: missense variant.
Genome position (GRCh38, 1-based): chr18:36,200,051, G>A. VCF-style: chr18-36200051-G-A. GRCh37 (hg19) VCF-style: chr18-33780014-G-A.
Other names: c.668G>A (NM_017947.2); short protein forms R223Q.
Identifiers: ClinVar variation 2162896 (VCV002162896.4), dbSNP rs1444813304, ClinGen allele CA402214450.